The following is an entry in ClinVar:

NM_006876.3(B4GAT1):c.300C>T (p.His100=)

Gene: B4GAT1 (beta-1,4-glucuronyltransferase 1; minus strand). Cytogenetic location: 11q13.2.
Variant type: single nucleotide variant.
Coding change: c.300C>T on transcript NM_006876.3 (MANE Select); coding-DNA position 300, C replaced by T.
Protein change: p.His100=; no amino-acid change (histidine 100 retained).
Molecular consequence: synonymous variant.
Genome position (GRCh38, 1-based): chr11:66,347,246, G>A on the plus strand (C>T on the coding strand, the complement: B4GAT1 is on the minus strand). VCF-style: chr11-66347246-G-A. GRCh37 (hg19) VCF-style: chr11-66114717-G-A.
Identifiers: ClinVar variation 734693 (VCV000734693.31), dbSNP rs746274346, ClinGen allele CA6120579.

ClinVar aggregate classification (germline): Likely benign. Review status: criteria provided, multiple submitters, no conflicts (2 of 4 stars). 2 submissions from 2 submitters: Likely benign (2). Last evaluated 2023-03-13.

Conditions:
Muscular dystrophy-dystroglycanopathy (congenital with brain and eye anomalies), type A13. Also called: WALKER-WARBURG SYNDROME OR MUSCLE-EYE-BRAIN DISEASE, B3GNT1-RELATED; Muscular dystrophy-dystroglycanopathy (congenital with brain and eye anomalies), type a, 13. Identifiers: Orphanet 899, MedGen C3809042, MONDO:0014120, OMIM 615287.

Allele frequency attached by ClinVar (database versions not stated): gnomAD 0.00002; gnomAD exomes 0.00002 and 0.00003; TOPMed 0.00002; ExAC 0.00004.

Submissions (2):

Labcorp Genetics (formerly Invitae), Labcorp
Classification: Likely benign for Muscular dystrophy-dystroglycanopathy (congenital with brain and eye anomalies), type A13. Last evaluated: 2023-03-13. Review status: criteria provided, single submitter. Criteria: Invitae Variant Classification Sherloc (09022015). Collection method: clinical testing. Allele origin: germline.

CeGaT Center for Human Genetics Tuebingen
Classification: Likely benign. Last evaluated: 2022-07-01. Review status: criteria provided, single submitter. Criteria: CeGaT Center For Human Genetics Tuebingen Variant Classification Criteria Version 2. Collection method: clinical testing. Allele origin: germline. Affected: yes. Observed: 1 variant allele.
Comment: B4GAT1: BP4, BP7